The following is an entry in ClinVar:

ClinVar aggregate classification (germline): Uncertain significance. Review status: criteria provided, multiple submitters, no conflicts (2 of 4 stars). 4 submissions from 4 submitters: Uncertain significance (4). Last evaluated 2026-08-06.

Conditions:
MYPN-related disorder. Also called: MYPN-related condition.
Dilated cardiomyopathy 1KK (CMD1KK). Identifiers: Orphanet 154, Orphanet 75249, MedGen C3714995, MONDO:0014100, OMIM 615248.
Cardiovascular phenotype. Identifiers: MedGen CN230736.

Allele frequency attached by ClinVar (database versions not stated): gnomAD exomes 0.00001 and 0.00003; ExAC 0.00004; gnomAD 0.00006 and 0.00007; TOPMed 0.00008; ESP Exome Variant Server 0.00015; 1000 Genomes Project 30x 0.00016; 1000 Genomes Project 0.00020.
gnomAD v4.1: 21 of 1,614,212 alleles (0.0013%); highest among the groups gnomAD compares: African/African-American, 0.02%; 1 homozygote.

Submissions (4):

PreventionGenetics, part of Exact Sciences
Classification: Uncertain significance for MYPN-related condition. Last evaluated: 2026-08-06. Review status: criteria provided, single submitter. Criteria: ACMG Guidelines, 2015. Collection method: clinical testing. Allele origin: germline.
Comment: The MYPN c.2507C>T variant is predicted to result in the amino acid substitution p.Ser836Phe. To our knowledge, this variant has not been reported in the literature. This variant is reported in 0.025% of alleles in individuals of African descent in gnomAD. At this time, the clinical significance of this variant is uncertain due to the absence of conclusive functional and genetic evidence.

Labcorp Genetics (formerly Invitae), Labcorp
Classification: Uncertain significance for Dilated cardiomyopathy 1KK. Last evaluated: 2026-01-13. Review status: criteria provided, single submitter. Criteria: Invitae Variant Classification Sherloc (09022015). Collection method: clinical testing. Allele origin: germline.
Comment: This sequence change replaces serine, which is neutral and polar, with phenylalanine, which is neutral and non-polar, at codon 836 of the MYPN protein (p.Ser836Phe). This variant is present in population databases (rs376141715, gnomAD 0.03%). This variant has not been reported in the literature in individuals affected with MYPN-related conditions. ClinVar contains an entry for this variant (Variation ID: 582151). An algorithm developed to predict the effect of missense changes on protein structure and function (PolyPhen-2) suggests that this variant is likely to be disruptive. In summary, the available evidence is currently insufficient to determine the role of this variant in disease. Therefore, it has been classified as a Variant of Uncertain Significance.

Ambry Genetics
Classification: Uncertain significance for Cardiovascular phenotype. Last evaluated: 2024-06-11. Review status: criteria provided, single submitter. Criteria: Ambry Variant Classification Scheme 2023. Collection method: clinical testing. Allele origin: germline.

Laboratory for Molecular Medicine, Mass General Brigham Personalized Medicine
Classification: Uncertain significance. Last evaluated: 2018-06-04. Review status: criteria provided, single submitter. Criteria: LMM Criteria. Collection method: clinical testing. Allele origin: germline. Observed: 1 variant allele.
Comment: Variant classified as Uncertain Significance - Favor Benign. The p.Ser836Phe var iant in MYPN has not been previously reported in individuals with cardiomyopathy , but has been identified in 0.03% (4/15302) of African chromosomes by the Geno me Aggregation Database (gnomAD; dbSNP rs37614 1715). Computational prediction tools and conservation analysis suggest that the p.Ser836Phe variant may impact the protein, though this information is not pred ictive enough to determine pathogenicity. In summary, while the clinical signifi cance of the p.Ser836Phe variant is uncertain, its frequency suggests that it is more likely to be benign. ACMG/AMP Criteria applied: BS1, PP3.

NM_032578.4(MYPN):c.2507C>T (p.Ser836Phe)

Gene: MYPN (myopalladin; plus strand). Cytogenetic location: 10q21.3.
Variant type: single nucleotide variant.
Coding change: c.2507C>T on transcript NM_032578.4 (MANE Select); coding-DNA position 2507, C replaced by T.
Protein change: p.Ser836Phe; replaces serine 836 with phenylalanine.
Molecular consequence: missense variant. On other transcripts: non-coding transcript variant (2).
Genome position (GRCh38, 1-based): chr10:68,174,599, C>T. VCF-style: chr10-68174599-C-T. GRCh37 (hg19) VCF-style: chr10-69934356-C-T.
Other names: c.2507C>T, p.Ser836Phe (NM_001256267.2); c.1625C>T, p.Ser542Phe (NM_001256268.2); short protein forms S836F, S542F.
Identifiers: ClinVar variation 582151 (VCV000582151.17), dbSNP rs376141715, ClinGen allele CA5522794.